The following is an entry in ClinVar:

ClinVar aggregate classification (germline): Likely benign (1 of 4 stars; one submission).

gnomAD v4.1: 10,210 of 1,613,644 alleles (0.63%); highest among the groups gnomAD compares: Non-Finnish European, 0.77%; 50 homozygotes.

Submission:

CeGaT Center for Human Genetics Tuebingen
Classification: Likely benign. Last evaluated: 2026-05-01. Review status: criteria provided, single submitter. Criteria: CeGaT Center For Human Genetics Tuebingen Variant Classification Criteria Version 2. Collection method: clinical testing. Allele origin: germline. Affected: yes. Observed: 3 variant alleles.
Comment: COBLL1: BP4, BP7, BS2

NM_001365672.2(COBLL1):c.513G>A (p.Glu171=)

Gene: COBLL1 (cordon-bleu WH2 repeat protein like 1; minus strand). Cytogenetic location: 2q24.3.
Variant type: single nucleotide variant.
Coding change: c.513G>A on transcript NM_001365672.2 (MANE Select); coding-DNA position 513, G replaced by A.
Protein change: p.Glu171=; no amino-acid change (glutamic acid 171 retained).
Molecular consequence: synonymous variant.
Genome position (GRCh38, 1-based): chr2:164,728,117, C>T on the plus strand (G>A on the coding strand, the complement: COBLL1 is on the minus strand). VCF-style: chr2-164728117-C-T. GRCh37 (hg19) VCF-style: chr2-165584627-C-T.
Other names: c.672G>A, p.Glu224= (NM_001278458.2); c.651G>A, p.Glu217= (NM_001278460.2, NM_001365670.2, NM_001365671.1); c.513G>A, p.Glu171= (NM_001278461.2, NM_001365673.2, NM_001365674.2 and 2 more transcripts).
Identifiers: ClinVar variation 3904873 (VCV003904873.10).